The following is an entry in ClinVar:

ClinVar aggregate classification (germline): Uncertain significance (1 of 4 stars; one submission).

Conditions:
Inborn genetic diseases. Identifiers: MedGen C0950123, MeSH D030342.

gnomAD v4.1: 1 of 1,609,938 alleles (0.000062%); highest among the groups gnomAD compares: Admixed American, 0.0017%; no homozygotes.

Submission:

Ambry Genetics
Classification: Uncertain significance for Inborn genetic diseases. Last evaluated: 2026-07-12. Review status: criteria provided, single submitter. Criteria: Ambry Variant Classification Scheme 2023. Collection method: clinical testing. Allele origin: germline.
Comment: The p.P12S variant (also known as c.34C>T), located in coding exon 1 of the ANKRD26 gene, results from a C to T substitution at nucleotide position 34. The proline at codon 12 is replaced by serine, an amino acid with similar properties. This amino acid position is conserved. In addition, this alteration is predicted to be tolerated by in silico analysis. Based on the available evidence, the clinical significance of this variant remains unclear.

NM_014915.3(ANKRD26):c.34C>T (p.Pro12Ser)

Genes: ANKRD26 (ankyrin repeat domain 26; minus strand), LOC130003554 (ATAC-STARR-seq lymphoblastoid silent region 2243; plus strand). Cytogenetic location: 10p12.1.
Variant type: single nucleotide variant.
Coding change: c.34C>T on transcript NM_014915.3 (MANE Select); coding-DNA position 34, C replaced by T.
Protein change: p.Pro12Ser; replaces proline 12 with serine.
Molecular consequence: missense variant.
Genome position (GRCh38, 1-based): chr10:27,100,293, G>A on the plus strand (C>T on the coding strand, the complement: ANKRD26 is on the minus strand). VCF-style: chr10-27100293-G-A. GRCh37 (hg19) VCF-style: chr10-27389222-G-A.
Other names: c.34C>T, p.Pro12Ser (NM_001256053.2); short protein forms P12S.
Identifiers: ClinVar variation 5022997 (VCV005022997.1).